The following is an entry in ClinVar:

NM_000176.3(NR3C1):c.*2188A>G

Gene: NR3C1 (nuclear receptor subfamily 3 group C member 1; minus strand). Cytogenetic location: 5q31.3.
Variant type: single nucleotide variant.
Coding change: c.*2188A>G on transcript NM_000176.3 (MANE Select); 2188 bases downstream of the stop codon, A replaced by G.
Molecular consequence: 3 prime UTR variant. On other transcripts: non-coding transcript variant (1), intron variant (1).
Genome position (GRCh38, 1-based): chr5:143,279,701, T>C on the plus strand (A>G on the coding strand, the complement: NR3C1 is on the minus strand). VCF-style: chr5-143279701-T-C. GRCh37 (hg19) VCF-style: chr5-142659266-T-C.
Other names: c.*2188A>G (NM_001018074.1, NM_001018075.1, NM_001018076.2 and 15 more transcripts); c.2182-290A>G (NM_001020825.2).
Identifiers: ClinVar variation 351331 (VCV000351331.5), dbSNP rs6193, ClinGen allele CA10619234.

ClinVar aggregate classification (germline): Benign (1 of 4 stars; one submission).

Conditions:
Glucocorticoid resistance. Also called: Gccr deficiency; Glucocorticoid receptor deficiency; Cortisol resistance from glucocorticoid receptor defect; Gcr deficiency; Glucocorticoid resistance, generalized. Identifiers: Orphanet 786, MedGen C1841972, MONDO:0014421, OMIM 615962.

Allele frequency attached by ClinVar (database versions not stated): gnomAD exomes 0.00157; gnomAD 0.01439 and 0.01524; TOPMed 0.01573; 1000 Genomes Project 30x 0.02014; 1000 Genomes Project 0.02017.
gnomAD v4.1: 2,423 of 298,728 alleles (0.81%); highest among the groups gnomAD compares: African/African-American, 4.9%; 70 homozygotes.

Submission:

Illumina Laboratory Services, Illumina
Classification: Benign for Glucocorticoid resistance. Last evaluated: 2018-01-12. Review status: criteria provided, single submitter. Criteria: ICSL Variant Classification Criteria 13 December 2019. Collection method: clinical testing. Allele origin: germline.
Comment: This variant was observed in the ICSL laboratory as part of a predisposition screen in an ostensibly healthy population. It had not been previously curated by ICSL or reported in the Human Gene Mutation Database (HGMD: prior to June 1st, 2018), and was therefore a candidate for classification through an automated scoring system. Utilizing variant allele frequency, disease prevalence and penetrance estimates, and inheritance mode, an automated score was calculated to assess if this variant is too frequent to cause the disease. Based on the score and internal cut-off values, a variant classified as benign is not then subjected to further curation. The score for this variant resulted in a classification of benign for this disease.